The following is an entry in ClinVar:

ClinVar aggregate classification (germline): Uncertain significance (1 of 4 stars; one submission).

Conditions:
Ehlers-Danlos syndrome, dermatosparaxis type. Also called: Ehlers-Danlos syndrome, type VII, autosomal recessive; Dermatosparaxis; EDS VIIC. Identifiers: Orphanet 1901, MedGen C2700425, MONDO:0009161, OMIM 225410.

Allele frequency attached by ClinVar (database versions not stated): gnomAD exomes below 0.00001; ExAC 0.00001; TOPMed 0.00001.
gnomAD v4.1: 12 of 1,613,678 alleles (0.00074%); highest among the groups gnomAD compares: Admixed American, 0.0033%; no homozygotes.

Submission:

Labcorp Genetics (formerly Invitae), Labcorp
Classification: Uncertain significance for Ehlers-Danlos syndrome, dermatosparaxis type. Last evaluated: 2022-06-19. Review status: criteria provided, single submitter. Criteria: Invitae Variant Classification Sherloc (09022015). Collection method: clinical testing. Allele origin: germline.
Comment: This sequence change replaces serine, which is neutral and polar, with leucine, which is neutral and non-polar, at codon 253 of the ADAMTS2 protein (p.Ser253Leu). This variant is present in population databases (rs750197805, gnomAD 0.006%). This variant has not been reported in the literature in individuals affected with ADAMTS2-related conditions. Algorithms developed to predict the effect of missense changes on protein structure and function are either unavailable or do not agree on the potential impact of this missense change (SIFT: "Deleterious"; PolyPhen-2: "Benign"; Align-GVGD: "Class C65"). In summary, the available evidence is currently insufficient to determine the role of this variant in disease. Therefore, it has been classified as a Variant of Uncertain Significance.

NM_014244.5(ADAMTS2):c.758C>T (p.Ser253Leu)

Gene: ADAMTS2 (ADAM metallopeptidase with thrombospondin type 1 motif 2; minus strand). Cytogenetic location: 5q35.3.
Variant type: single nucleotide variant.
Coding change: c.758C>T on transcript NM_014244.5 (MANE Select); coding-DNA position 758, C replaced by T.
Protein change: p.Ser253Leu; replaces serine 253 with leucine.
Molecular consequence: missense variant.
Genome position (GRCh38, 1-based): chr5:179,207,646, G>A on the plus strand (C>T on the coding strand, the complement: ADAMTS2 is on the minus strand). VCF-style: chr5-179207646-G-A. GRCh37 (hg19) VCF-style: chr5-178634647-G-A.
Other names: c.758C>T, p.Ser253Leu (NM_021599.4); short protein forms S253L.
Identifiers: ClinVar variation 1500524 (VCV001500524.3), dbSNP rs750197805, ClinGen allele CA3596173.